The following is an entry in ClinVar:

NM_000053.4(ATP7B):c.1362A>G (p.Thr454=)

Gene: ATP7B (ATPase copper transporting beta; minus strand). Cytogenetic location: 13q14.3.
Variant type: single nucleotide variant.
Coding change: c.1362A>G on transcript NM_000053.4 (MANE Select); coding-DNA position 1362, A replaced by G.
Protein change: p.Thr454=; no amino-acid change (threonine 454 retained).
Molecular consequence: synonymous variant.
Genome position (GRCh38, 1-based): chr13:51,970,673, T>C on the plus strand (A>G on the coding strand, the complement: ATP7B is on the minus strand). VCF-style: chr13-51970673-T-C. GRCh37 (hg19) VCF-style: chr13-52544809-T-C.
Other names: c.1362A>G, p.Thr454= (NM_001005918.3, NM_001330578.2, NM_001330579.2); c.1029A>G, p.Thr343= (NM_001243182.2).
Identifiers: ClinVar variation 526662 (VCV000526662.23), dbSNP rs150018860, ClinGen allele CA6989364.
Genomic context (GRCh38, chr13:51,970,673, plus strand): 5'-GATGTCCGGGGCATGGTTTGCAGGGAGCCTCCCAGTGTGGGGAGCCACTTCCTGCACAGA[T>C]GTAGGTGTACCATCTGTAGTTTGCACCATGGAATTCCCAGCACTGTGGTTTCCAAGAGGG-3'
Protein context (NP_000044.2, residues 444-464): SMVQTTDGTP[Thr454=]SVQEVAPHTG

ClinVar aggregate classification (germline): Likely benign. Review status: criteria provided, multiple submitters, no conflicts (2 of 4 stars). 6 submissions from 6 submitters: Likely benign (6). Last evaluated 2025-11-23.

Conditions:
Wilson disease (WND). Also called: Wilson's disease. Identifiers: Orphanet 905, MedGen C0019202, MONDO:0010200, OMIM 277900. Disease mechanism: loss of function.

Allele frequency attached by ClinVar (database versions not stated): gnomAD exomes 0.00001 and 0.00002; ExAC 0.00002; ESP Exome Variant Server 0.00008; gnomAD 0.00015 and 0.00016; TOPMed 0.00016; 1000 Genomes Project 30x 0.00031; 1000 Genomes Project 0.00040.
gnomAD v4.1: 36 of 1,614,192 alleles (0.0022%); highest among the groups gnomAD compares: African/African-American, 0.037%; no homozygotes.

Submissions (6):

Labcorp Genetics (formerly Invitae), Labcorp
Classification: Likely benign for Wilson disease. Last evaluated: 2025-11-23. Review status: criteria provided, single submitter. Criteria: Invitae Variant Classification Sherloc (09022015). Collection method: clinical testing. Allele origin: germline.

CeGaT Center for Human Genetics Tuebingen
Classification: Likely benign. Last evaluated: 2025-08-01. Review status: criteria provided, single submitter. Criteria: CeGaT Center For Human Genetics Tuebingen Variant Classification Criteria Version 2. Collection method: clinical testing. Allele origin: germline. Affected: yes. Observed: 1 variant allele.
Comment: ATP7B: BP4, BP7

All of Us Research Program, National Institutes of Health
Classification: Likely benign for Wilson disease. Last evaluated: 2023-12-01. Review status: criteria provided, single submitter. Criteria: ACMG Guidelines, 2015. Collection method: clinical testing. Allele origin: germline. Inheritance: Autosomal recessive inheritance. Observed: 7 variant alleles, 7 heterozygotes.
Comment: This study involves interpretation of variants in research participants for the purpose of population health screening. Participant phenotype was not available at the time of variant classification. Additional details can be found in publication PMID: 35346344, PMCID: PMC8962531

Color Diagnostics, LLC DBA Color Health
Classification: Likely benign for Wilson disease. Last evaluated: 2022-11-28. Review status: criteria provided, single submitter. Criteria: ACMG Guidelines, 2015. Collection method: clinical testing. Allele origin: germline.

Fulgent Genetics
Classification: Likely benign for Wilson disease. Last evaluated: 2022-04-21. Review status: criteria provided, single submitter. Criteria: ACMG Guidelines, 2015. Collection method: clinical testing. Allele origin: unknown.

GeneDx
Classification: Likely benign. Last evaluated: 2018-04-23. Review status: criteria provided, single submitter. Criteria: GeneDx Variant Classification (06012015). Collection method: clinical testing. Allele origin: germline. Affected: yes.
Comment: This variant is considered likely benign or benign based on one or more of the following criteria: it is a conservative change, it occurs at a poorly conserved position in the protein, it is predicted to be benign by multiple in silico algorithms, and/or has population frequency not consistent with disease.